The following is an entry in ClinVar:

ClinVar aggregate classification (germline): Uncertain significance. Review status: criteria provided, multiple submitters, no conflicts (2 of 4 stars). 3 submissions from 3 submitters: Uncertain significance (3). Last evaluated 2026-06-22.

Conditions:
Inborn genetic diseases. Identifiers: MedGen C0950123, MeSH D030342.
NLGN4X-related disorder. Also called: NLGN4X-related condition.

Allele frequency attached by ClinVar (database versions not stated): gnomAD exomes below 0.00001; TOPMed below 0.00001; ExAC 0.00001.

Submissions (3):

PreventionGenetics, part of Exact Sciences
Classification: Uncertain significance for NLGN4X-related condition. Last evaluated: 2026-06-22. Review status: criteria provided, single submitter. Criteria: ACMG Guidelines, 2015. Collection method: clinical testing. Allele origin: germline.
Comment: The NLGN4X c.2020G>A variant is predicted to result in the amino acid substitution p.Glu674Lys. To our knowledge, this variant has not been reported in the literature. This variant is reported in 0.0036% of alleles in individuals of Latino descent in gnomAD. At this time, the clinical significance of this variant is uncertain due to the absence of conclusive functional and genetic evidence.

Blueprint Genetics
Classification: Uncertain significance. Last evaluated: 2020-09-08. Review status: criteria provided, single submitter. Criteria: ACMG Guidelines, 2015. Collection method: clinical testing. Allele origin: germline.

Ambry Genetics
Classification: Uncertain significance for Inborn genetic diseases. Last evaluated: 2017-12-07. Review status: criteria provided, single submitter. Criteria: Ambry Variant Classification Scheme 2023. Collection method: clinical testing. Allele origin: germline.
Comment: The p.E674K variant (also known as c.2020G>A), located in coding exon 5 of the NLGN4X gene, results from a G to A substitution at nucleotide position 2020. The glutamic acid at codon 674 is replaced by lysine, an amino acid with similar properties. This amino acid position is highly conserved in available vertebrate species. In addition, this alteration is predicted to be deleterious by in silico analysis. Since supporting evidence is limited at this time, the clinical significance of this alteration remains unclear.

NM_181332.3(NLGN4X):c.2020G>A (p.Glu674Lys)

Gene: NLGN4X (neuroligin 4 X-linked; minus strand). Cytogenetic location: Xp22.32.
Variant type: single nucleotide variant.
Coding change: c.2020G>A on transcript NM_181332.3 (MANE Select); coding-DNA position 2020, G replaced by A.
Protein change: p.Glu674Lys; replaces glutamic acid 674 with lysine.
Molecular consequence: missense variant.
Genome position (GRCh38, 1-based): chrX:5,893,248, C>T on the plus strand (G>A on the coding strand, the complement: NLGN4X is on the minus strand). VCF-style: chrX-5893248-C-T. GRCh37 (hg19) VCF-style: chrX-5811289-C-T.
Other names: c.2020G>A (NM_020742.3); c.2020G>A, p.Glu674Lys (NM_001282145.2, NM_001282146.2, NM_020742.4); short protein forms E674K.
Identifiers: ClinVar variation 1784556 (VCV001784556.4), dbSNP rs774801410, ClinGen allele CA10340945.